The following is an entry in ClinVar:

ClinVar aggregate classification (germline): Uncertain significance (1 of 4 stars; one submission).

Conditions:
MECR-related disorder. Also called: MECR-related condition.

Submission:

PreventionGenetics, part of Exact Sciences
Classification: Uncertain significance for MECR-related condition. Last evaluated: 2026-07-16. Review status: criteria provided, single submitter. Criteria: ACMG Guidelines, 2015. Collection method: clinical testing. Allele origin: germline.
Comment: The MECR c.836G>T variant is predicted to result in the amino acid substitution p.Gly279Val. To our knowledge, this variant has not been reported in the literature or in a large population database (gnomAD), indicating this variant is rare. At this time, the clinical significance of this variant is uncertain due to the absence of conclusive functional and genetic evidence.

NM_016011.5(MECR):c.836G>T (p.Gly279Val)

Gene: MECR (mitochondrial trans-2-enoyl-CoA reductase; minus strand). Cytogenetic location: 1p35.3.
Variant type: single nucleotide variant.
Coding change: c.836G>T on transcript NM_016011.5 (MANE Select); coding-DNA position 836, G replaced by T.
Protein change: p.Gly279Val; replaces glycine 279 with valine.
Molecular consequence: missense variant. On other transcripts: non-coding transcript variant (4).
Genome position (GRCh38, 1-based): chr1:29,196,253, C>A on the plus strand (G>T on the coding strand, the complement: MECR is on the minus strand). VCF-style: chr1-29196253-C-A. GRCh37 (hg19) VCF-style: chr1-29522765-C-A.
Other names: c.608G>T, p.Gly203Val (NM_001024732.4, NM_001349711.2, NM_001349712.2 and 2 more transcripts); c.941G>T, p.Gly314Val (NM_001349715.2); c.920G>T, p.Gly307Val (NM_001349716.2); c.686G>T, p.Gly229Val (NM_001349717.2); short protein forms G203V, G279V, G229V, G307V, G314V.
Identifiers: ClinVar variation 4999885 (VCV004999885.1).